The following is an entry in ClinVar:

NM_001365951.3(KIF1B):c.4270C>G (p.Leu1424Val)

Gene: KIF1B (kinesin family member 1B; plus strand). Cytogenetic location: 1p36.22.
Variant type: single nucleotide variant.
Coding change: c.4270C>G on transcript NM_001365951.3 (MANE Select); coding-DNA position 4270, C replaced by G.
Protein change: p.Leu1424Val; replaces leucine 1424 with valine.
Molecular consequence: missense variant.
Genome position (GRCh38, 1-based): chr1:10,361,791, C>G. VCF-style: chr1-10361791-C-G. GRCh37 (hg19) VCF-style: chr1-10421849-C-G.
Other names: c.4270C>G, p.Leu1424Val (NM_001365952.1); c.4132C>G, p.Leu1378Val (NM_015074.3); short protein forms L1378V, L1424V.
Identifiers: ClinVar variation 2563624 (VCV002563624.2), dbSNP rs2521886442, ClinGen allele CA338317702.

ClinVar aggregate classification (germline): Uncertain significance (1 of 4 stars; one submission).

Submission:

Ambry Genetics
Classification: Uncertain significance. Last evaluated: 2023-05-15. Review status: criteria provided, single submitter. Criteria: Ambry Variant Classification Scheme 2023. Collection method: clinical testing. Allele origin: germline.
Comment: The p.L1378V variant (also known as c.4132C>G), located in coding exon 37 of the KIF1B gene, results from a C to G substitution at nucleotide position 4132. The leucine at codon 1378 is replaced by valine, an amino acid with highly similar properties. This amino acid position is conserved. In addition, the in silico prediction for this alteration is inconclusive. Since supporting evidence is limited at this time, the clinical significance of this alteration remains unclear.